The following is an entry in ClinVar:

ClinVar aggregate classification (germline): Uncertain significance (1 of 4 stars; one submission).

Allele frequency attached by ClinVar (database versions not stated): gnomAD 0.00002 and 0.00005; gnomAD exomes 0.00002 and 0.00006; TOPMed 0.00003; ExAC 0.00004; 1000 Genomes Project 30x 0.00031; 1000 Genomes Project 0.00040.
gnomAD v4.1: 44 of 1,600,978 alleles (0.0027%); highest among the groups gnomAD compares: East Asian, 0.038%; no homozygotes.

Submission:

Labcorp Genetics (formerly Invitae), Labcorp
Classification: Uncertain significance. Last evaluated: 2022-09-19. Review status: criteria provided, single submitter. Criteria: Invitae Variant Classification Sherloc (09022015). Collection method: clinical testing. Allele origin: germline.
Comment: This sequence change falls in intron 25 of the TONSL gene. It does not directly change the encoded amino acid sequence of the TONSL protein. It affects a nucleotide within the consensus splice site. This variant is present in population databases (rs376435652, gnomAD 0.05%). This variant has not been reported in the literature in individuals affected with TONSL-related conditions. ClinVar contains an entry for this variant (Variation ID: 1401322). Variants that disrupt the consensus splice site are a relatively common cause of aberrant splicing (PMID: 17576681, 9536098). Algorithms developed to predict the effect of sequence changes on RNA splicing suggest that this variant is not likely to affect RNA splicing. In summary, the available evidence is currently insufficient to determine the role of this variant in disease. Therefore, it has been classified as a Variant of Uncertain Significance.

Literature cited by the submitters: PubMed 17576681; PubMed 9536098.

NM_013432.5(TONSL):c.3943+6T>A

Gene: TONSL (tonsoku like, DNA repair protein; minus strand). Cytogenetic location: 8q24.3.
Variant type: single nucleotide variant.
Coding change: c.3943+6T>A on transcript NM_013432.5 (MANE Select); 6 bases into the intron after coding-DNA position 3943, T replaced by A.
Molecular consequence: intron variant.
Genome position (GRCh38, 1-based): chr8:144,430,398, A>T on the plus strand (T>A on the coding strand, the complement: TONSL is on the minus strand). VCF-style: chr8-144430398-A-T. GRCh37 (hg19) VCF-style: chr8-145655781-A-T.
Identifiers: ClinVar variation 1401322 (VCV001401322.3), dbSNP rs376435652, ClinGen allele CA4942335.
Genomic context (GRCh38, chr8:144,430,398, plus strand): 5'-CTGGGTCTCAGGCAGGTCCCTGAAAAGGCCGAACATGGCAGGCGTGGCCACCATACCAGC[A>T]CTCACCTGACAGGCCAAGGAAGCTAAGGCCTTGGGGCCGCTTTTGGAGGGTGGACAGGAG-3'